The following is an entry in ClinVar:

ClinVar aggregate classification (germline): Uncertain significance (1 of 4 stars; one submission).

Submission:

Women's Health and Genetics/Laboratory Corporation of America, LabCorp
Classification: Uncertain significance. Last evaluated: 2020-07-20. Review status: criteria provided, single submitter. Criteria: LabCorp Variant Classification Summary - May 2015. Collection method: clinical testing. Allele origin: germline.
Comment: Variant summary: MAP2K2 c.705+15G>A alters a non-conserved nucleotide located close to a canonical splice site and therefore could affect mRNA splicing, leading to a significantly altered protein sequence. 4/4 computational tools predict no significant impact on normal splicing. However, these predictions have yet to be confirmed by functional studies. The variant was absent in 160900 control chromosomes. The available data on variant occurrences in the general population are insufficient to allow any conclusion about variant significance. To our knowledge, no occurrence of c.705+15G>A in individuals affected with Cardiofaciocutaneous Syndrome and no experimental evidence demonstrating its impact on protein function have been reported. No clinical diagnostic laboratories have submitted clinical-significance assessments for this variant to ClinVar after 2014. Based on the evidence outlined above, the variant was classified as uncertain significance.

NM_030662.4(MAP2K2):c.705+15G>A

Gene: MAP2K2 (mitogen-activated protein kinase kinase 2; minus strand). Cytogenetic location: 19p13.3.
Variant type: single nucleotide variant.
Coding change: c.705+15G>A on transcript NM_030662.4 (MANE Select); 15 bases into the intron after coding-DNA position 705, G replaced by A.
Molecular consequence: intron variant.
Genome position (GRCh38, 1-based): chr19:4,101,004, C>T on the plus strand (G>A on the coding strand, the complement: MAP2K2 is on the minus strand). VCF-style: chr19-4101004-C-T. GRCh37 (hg19) VCF-style: chr19-4101002-C-T.
Identifiers: ClinVar variation 974974 (VCV000974974.1), dbSNP rs1187456546, ClinGen allele CA631714525.